The following is an entry in ClinVar:

ClinVar aggregate classification (germline): Uncertain significance (1 of 4 stars; one submission).

Submission:

Labcorp Genetics (formerly Invitae), Labcorp
Classification: Uncertain significance. Last evaluated: 2025-02-19. Review status: criteria provided, single submitter. Criteria: Invitae Variant Classification Sherloc (09022015). Collection method: clinical testing. Allele origin: germline.
Comment: This sequence change replaces threonine, which is neutral and polar, with isoleucine, which is neutral and non-polar, at codon 914 of the CFH protein (p.Thr914Ile). This variant is not present in population databases (gnomAD no frequency). This variant has not been reported in the literature in individuals affected with CFH-related conditions. An algorithm developed to predict the effect of missense changes on protein structure and function (PolyPhen-2) suggests that this variant is likely to be disruptive. In summary, the available evidence is currently insufficient to determine the role of this variant in disease. Therefore, it has been classified as a Variant of Uncertain Significance.

NM_000186.4(CFH):c.2741C>T (p.Thr914Ile)

Gene: CFH (complement factor H; plus strand). Cytogenetic location: 1q31.3.
Variant type: single nucleotide variant.
Coding change: c.2741C>T on transcript NM_000186.4 (MANE Select); coding-DNA position 2741, C replaced by T.
Protein change: p.Thr914Ile; replaces threonine 914 with isoleucine.
Molecular consequence: missense variant.
Genome position (GRCh38, 1-based): chr1:196,737,619, C>T. VCF-style: chr1-196737619-C-T. GRCh37 (hg19) VCF-style: chr1-196706749-C-T.
Other names: short protein forms T914I.
Identifiers: ClinVar variation 4778679 (VCV004778679.1).